The following is an entry in ClinVar:

ClinVar aggregate classification (germline): Pathogenic (0 of 4 stars; one submission).

Submission:

GenMed Metabolism Lab
Classification: Pathogenic. Review status: no assertion criteria provided. Collection method: not provided. Allele origin: unknown.
ClinVar note: Converted during submission from pathogenic to Pathogenic.

NM_000531.6(OTC):c.314G>T (p.Gly105Val)

Gene: OTC (ornithine transcarbamylase; plus strand). Cytogenetic location: Xp11.4.
Variant type: single nucleotide variant.
Coding change: c.314G>T on transcript NM_000531.6 (MANE Select); coding-DNA position 314, G replaced by T.
Protein change: p.Gly105Val; replaces glycine 105 with valine.
Molecular consequence: missense variant.
Genome position (GRCh38, 1-based): chrX:38,381,357, G>T. VCF-style: chrX-38381357-G-T. GRCh37 (hg19) VCF-style: chrX-38240610-G-T.
Other names: short protein forms G105V.
Identifiers: ClinVar variation 97166 (VCV000097166.2), dbSNP rs72554351, ClinGen allele CA224550.